The following is an entry in ClinVar:

NM_001349206.2(LPIN1):c.1378G>A (p.Ala460Thr)

Genes: LPIN1 (lipin 1; plus strand), LOC122756382 (Sharpr-MPRA regulatory region 7856; plus strand). Cytogenetic location: 2p25.1.
Variant type: single nucleotide variant.
Coding change: c.1378G>A on transcript NM_001349206.2 (MANE Select); coding-DNA position 1378, G replaced by A.
Protein change: p.Ala460Thr; replaces alanine 460 with threonine.
Molecular consequence: missense variant. On other transcripts: non-coding transcript variant (1).
Genome position (GRCh38, 1-based): chr2:11,784,905, G>A. VCF-style: chr2-11784905-G-A. GRCh37 (hg19) VCF-style: chr2-11925031-G-A.
Other names: c.1288G>A, p.Ala430Thr (NM_001261427.3); c.1525G>A, p.Ala509Thr (NM_001261428.3); c.1270G>A, p.Ala424Thr (NM_001349199.2, NM_001349200.2, NM_001349201.2 and 1 more transcripts); c.1375G>A, p.Ala459Thr (NM_001349202.2, NM_001349203.2); c.1378G>A, p.Ala460Thr (NM_001349204.2, NM_001349205.2); c.1468G>A, p.Ala490Thr (NM_001349207.2); c.1417G>A, p.Ala473Thr (NM_001349208.2); c.1270G>A (NM_145693.1); short protein forms A473T, A490T, A509T, A424T, A430T, A459T, A460T.
Identifiers: ClinVar variation 2151620 (VCV002151620.6), dbSNP rs746840869, ClinGen allele CA1533706.

ClinVar aggregate classification (germline): Uncertain significance. Review status: criteria provided, multiple submitters, no conflicts (2 of 4 stars). 4 submissions from 4 submitters: Uncertain significance (4). Last evaluated 2024-11-03.

Conditions:
Inborn genetic diseases. Identifiers: MedGen C0950123, MeSH D030342.
Myoglobinuria, acute recurrent, autosomal recessive. Also called: RHABDOMYOLYSIS, ACUTE RECURRENT; MYOGLOBINURIA, FAMILIAL PAROXYSMAL PARALYTIC; Myoglobinuria, recurrent, autosomal recessive. Identifiers: Orphanet 99845, MedGen C1849386, MONDO:0009992, OMIM 268200.

Allele frequency attached by ClinVar (database versions not stated): TOPMed below 0.00001; gnomAD exomes 0.00002; ExAC 0.00003; gnomAD 0.00003.

Submissions (4):

Revvity Omics, Revvity
Classification: Uncertain significance for Myoglobinuria, acute recurrent, autosomal recessive. Last evaluated: 2024-11-03. Review status: criteria provided, single submitter. Criteria: ACMG Guidelines, 2015. Collection method: clinical testing. Allele origin: germline.

Fulgent Genetics
Classification: Uncertain significance for Myoglobinuria, acute recurrent, autosomal recessive. Last evaluated: 2024-05-08. Review status: criteria provided, single submitter. Criteria: ACMG Guidelines, 2015. Collection method: clinical testing. Allele origin: germline.

Labcorp Genetics (formerly Invitae), Labcorp
Classification: Uncertain significance. Last evaluated: 2023-11-27. Review status: criteria provided, single submitter. Criteria: Invitae Variant Classification Sherloc (09022015). Collection method: clinical testing. Allele origin: germline.
Comment: This sequence change replaces alanine, which is neutral and non-polar, with threonine, which is neutral and polar, at codon 424 of the LPIN1 protein (p.Ala424Thr). This variant is present in population databases (rs746840869, gnomAD 0.005%). This variant has not been reported in the literature in individuals affected with LPIN1-related conditions. ClinVar contains an entry for this variant (Variation ID: 2151620). Advanced modeling of protein sequence and biophysical properties (such as structural, functional, and spatial information, amino acid conservation, physicochemical variation, residue mobility, and thermodynamic stability) performed at Invitae indicates that this missense variant is not expected to disrupt LPIN1 protein function with a negative predictive value of 80%. In summary, the available evidence is currently insufficient to determine the role of this variant in disease. Therefore, it has been classified as a Variant of Uncertain Significance.

Ambry Genetics
Classification: Uncertain significance for Inborn genetic diseases. Last evaluated: 2022-08-02. Review status: criteria provided, single submitter. Criteria: Ambry Variant Classification Scheme 2023. Collection method: clinical testing. Allele origin: germline.